The following is an entry in ClinVar:

NM_020975.6(RET):c.159C>T (p.Val53=)

Gene: RET (ret proto-oncogene; plus strand). Cytogenetic location: 10q11.21.
Variant type: single nucleotide variant.
Coding change: c.159C>T on transcript NM_020975.6 (MANE Select); coding-DNA position 159, C replaced by T.
Protein change: p.Val53=; no amino-acid change (valine 53 retained).
Molecular consequence: synonymous variant. On other transcripts: intron variant (4).
Genome position (GRCh38, 1-based): chr10:43,100,544, C>T. VCF-style: chr10-43100544-C-T. GRCh37 (hg19) VCF-style: chr10-43595992-C-T.
Other names: c.159C>T, p.Val53= (NM_000323.2, NM_001406743.1, NM_001406744.1 and 34 more transcripts); c.74-8487C>T (NM_001406784.1); c.74-11555C>T (NM_001406794.1, NM_001406792.1, NM_001406793.1).
Identifiers: ClinVar variation 220665 (VCV000220665.38), dbSNP rs753523209, ClinGen allele CA034592.

ClinVar aggregate classification (germline): Likely benign. Review status: criteria provided, multiple submitters, no conflicts (2 of 4 stars). 5 submissions from 5 submitters: Likely benign (5). Last evaluated 2026-01-02.

Conditions:
Hereditary cancer-predisposing syndrome. Also called: Neoplastic Syndromes, Hereditary; Hereditary Cancer Syndrome; Tumor predisposition; Hereditary neoplastic syndrome. Identifiers: Orphanet 140162, MedGen C0027672, MeSH D009386, MONDO:0015356.
Multiple endocrine neoplasia, type 2 (MEN2). Identifiers: Orphanet 653, MedGen C4048306, MONDO:0019003. Disease mechanism: gain of function.

Allele frequency attached by ClinVar (database versions not stated): gnomAD 0.00001; gnomAD exomes 0.00001 and 0.00002; TOPMed 0.00001; ExAC 0.00002.
gnomAD v4.1: 11 of 1,613,808 alleles (0.00068%); highest among the groups gnomAD compares: Non-Finnish European, 0.00093%; no homozygotes.

Submissions (5):

Labcorp Genetics (formerly Invitae), Labcorp
Classification: Likely benign for Multiple endocrine neoplasia, type 2. Last evaluated: 2026-01-02. Review status: criteria provided, single submitter. Criteria: Invitae Variant Classification Sherloc (09022015). Collection method: clinical testing. Allele origin: germline.

CeGaT Center for Human Genetics Tuebingen
Classification: Likely benign. Last evaluated: 2025-07-01. Review status: criteria provided, single submitter. Criteria: CeGaT Center For Human Genetics Tuebingen Variant Classification Criteria Version 2. Collection method: clinical testing. Allele origin: germline. Affected: yes. Observed: 2 variant alleles.
Comment: RET: BP4, BP7

All of Us Research Program, National Institutes of Health
Classification: Likely benign for Multiple endocrine neoplasia, type 2. Last evaluated: 2024-02-05. Review status: criteria provided, single submitter. Criteria: ACMG Guidelines, 2015. Collection method: clinical testing. Allele origin: germline. Inheritance: Autosomal dominant inheritance. Observed: 7 variant alleles, 7 heterozygotes.
Comment: This study involves interpretation of variants in research participants for the purpose of population health screening. Participant phenotype was not available at the time of variant classification. Additional details can be found in publication PMID: 35346344, PMCID: PMC8962531

Color Diagnostics, LLC DBA Color Health
Classification: Likely benign for Multiple endocrine neoplasia, type 2. Last evaluated: 2022-11-06. Review status: criteria provided, single submitter. Criteria: ACMG Guidelines, 2015. Collection method: clinical testing. Allele origin: germline.

Ambry Genetics
Classification: Likely benign for Hereditary cancer-predisposing syndrome. Last evaluated: 2015-12-01. Review status: criteria provided, single submitter. Criteria: Ambry Variant Classification Scheme 2023. Collection method: clinical testing. Allele origin: germline.